The following is an entry in ClinVar:

ClinVar aggregate classification (germline): Uncertain significance (1 of 4 stars; one submission).

Conditions:
Inborn genetic diseases. Identifiers: MedGen C0950123, MeSH D030342.

Submission:

Ambry Genetics
Classification: Uncertain significance for Inborn genetic diseases. Last evaluated: 2025-04-10. Review status: criteria provided, single submitter. Criteria: Ambry Variant Classification Scheme 2023. Collection method: clinical testing. Allele origin: germline.
Comment: The p.E45G variant (also known as c.134A>G), located in coding exon 2 of the ETV6 gene, results from an A to G substitution at nucleotide position 134. The glutamic acid at codon 45 is replaced by glycine, an amino acid with similar properties. This amino acid position is conserved. In addition, this alteration is predicted to be tolerated by in silico analysis. Based on the available evidence, the clinical significance of this variant remains unclear.

NM_001987.5(ETV6):c.134A>G (p.Glu45Gly)

Gene: ETV6 (ETS variant transcription factor 6; plus strand). Cytogenetic location: 12p13.2.
Variant type: single nucleotide variant.
Coding change: c.134A>G on transcript NM_001987.5 (MANE Select); coding-DNA position 134, A replaced by G.
Protein change: p.Glu45Gly; replaces glutamic acid 45 with glycine.
Molecular consequence: missense variant. On other transcripts: intron variant (1).
Genome position (GRCh38, 1-based): chr12:11,752,550, A>G. VCF-style: chr12-11752550-A-G. GRCh37 (hg19) VCF-style: chr12-11905484-A-G.
Other names: c.131A>G, p.Glu44Gly (NM_001413913.1); c.107A>G, p.Glu36Gly (NM_001413914.1); c.134A>G, p.Glu45Gly (NM_001413916.1, NM_001413917.1, NM_001413918.1); c.-101-86590A>G (NM_001413915.1); short protein forms E44G, E45G, E36G.
Identifiers: ClinVar variation 4020060 (VCV004020060.1).